The following is an entry in ClinVar:

ClinVar aggregate classification (germline): Benign. Review status: criteria provided, multiple submitters, no conflicts (2 of 4 stars). 3 submissions from 3 submitters: Benign (3). Last evaluated 2018-01-13.

Conditions:
Hepatic methionine adenosyltransferase deficiency. Also called: MAT I/III DEFICIENCY; Deficiency of methionine adenosyltransferase; Isolated Persistent Hypermethioninemia; Methionine adenosyltransferase deficiency. Identifiers: Orphanet 168598, MedGen C0268621, MeSH C564683, MONDO:0009607, OMIM 250850.

Allele frequency attached by ClinVar (database versions not stated): 1000 Genomes Project 0.20068; gnomAD 0.20071; 1000 Genomes Project 30x 0.20518; TOPMed 0.20800.
gnomAD v4.1: 215,797 of 1,141,262 alleles (19%); highest among the groups gnomAD compares: Admixed American, 29%; 22,619 homozygotes.

Submissions (3):

Illumina Laboratory Services, Illumina
Classification: Benign for Hepatic methionine adenosyltransferase deficiency. Last evaluated: 2018-01-13. Review status: criteria provided, single submitter. Criteria: ICSL Variant Classification Criteria 13 December 2019. Collection method: clinical testing. Allele origin: germline.
Comment: This variant was observed in the ICSL laboratory as part of a predisposition screen in an ostensibly healthy population. It had not been previously curated by ICSL or reported in the Human Gene Mutation Database (HGMD: prior to June 1st, 2018), and was therefore a candidate for classification through an automated scoring system. Utilizing variant allele frequency, disease prevalence and penetrance estimates, and inheritance mode, an automated score was calculated to assess if this variant is too frequent to cause the disease. Based on the score and internal cut-off values, a variant classified as benign is not then subjected to further curation. The score for this variant resulted in a classification of benign for this disease.

GeneDx
Classification: Benign. Last evaluated: 2015-03-03. Review status: criteria provided, single submitter. Criteria: GeneDx Variant Classification Process June 2021. Collection method: clinical testing. Allele origin: germline. Affected: yes.

Breakthrough Genomics
Classification: Benign. Review status: criteria provided, single submitter. Criteria: ACMG Guidelines, 2015. Collection method: not provided. Allele origin: germline. Inheritance: Autosomal dominant inheritance. Affected: yes.

NM_000429.3(MAT1A):c.*67C>T

Genes: MAT1A (methionine adenosyltransferase 1A; minus strand), LOC126860980 (CDK7 strongly-dependent group 2 enhancer GRCh37_chr10:82032694-82033893; plus strand). Cytogenetic location: 10q22.3.
Variant type: single nucleotide variant.
Coding change: c.*67C>T on transcript NM_000429.3 (MANE Select); 67 bases downstream of the stop codon, C replaced by T.
Molecular consequence: 3 prime UTR variant.
Genome position (GRCh38, 1-based): chr10:80,273,714, G>A on the plus strand (C>T on the coding strand, the complement: MAT1A is on the minus strand). VCF-style: chr10-80273714-G-A. GRCh37 (hg19) VCF-style: chr10-82033470-G-A.
Identifiers: ClinVar variation 301184 (VCV000301184.8), dbSNP rs7087728, ClinGen allele CA10632503.